The following is an entry in ClinVar:

NM_001015877.2(PHF6):c.1017T>C (p.Asp339=)

Gene: PHF6 (PHD finger protein 6; plus strand). Cytogenetic location: Xq26.2.
Variant type: single nucleotide variant.
Coding change: c.1017T>C on transcript NM_001015877.2 (MANE Select); coding-DNA position 1017, T replaced by C.
Protein change: p.Asp339=; no amino-acid change (aspartic acid 339 retained).
Molecular consequence: synonymous variant.
Genome position (GRCh38, 1-based): chrX:134,425,249, T>C. VCF-style: chrX-134425249-T-C. GRCh37 (hg19) VCF-style: chrX-133559279-T-C.
Other names: c.1017T>C, p.Asp339= (NM_032458.3); c.1017T>C (NM_032458.2).
Identifiers: ClinVar variation 1925092 (VCV001925092.6), dbSNP rs1425520573, ClinGen allele CA518649360.

ClinVar aggregate classification (germline): Likely benign. Review status: criteria provided, multiple submitters, no conflicts (2 of 4 stars). 2 submissions from 2 submitters: Likely benign (2). Last evaluated 2026-07-15.

Conditions:
PHF6-related disorder. Also called: PHF6-related condition.
Borjeson-Forssman-Lehmann syndrome (BFLS). Also called: MENTAL RETARDATION, X-LINKED, SYNDROMIC, BORJESON-FORSSMAN-LEHMANN TYPE; MENTAL RETARDATION, EPILEPSY, AND ENDOCRINE DISORDERS; BORJESON SYNDROME. Identifiers: Orphanet 127, MedGen C0265339, MONDO:0010537, OMIM 301900.

Allele frequency attached by ClinVar (database versions not stated): gnomAD exomes below 0.00001; TOPMed below 0.00001.
gnomAD v4.1: 1 of 1,209,840 alleles (0.000083%); highest among the groups gnomAD compares: Admixed American, 0.0022%; no homozygotes.

Submissions (2):

PreventionGenetics, part of Exact Sciences
Classification: Likely benign for PHF6-related condition. Last evaluated: 2026-07-15. Review status: criteria provided, single submitter. Criteria: ACMG Guidelines, 2015. Collection method: clinical testing. Allele origin: germline.
Comment: This variant is classified as likely benign based on ACMG/AMP sequence variant interpretation guidelines (Richards et al. 2015 PMID: 25741868, with internal and published modifications).

Labcorp Genetics (formerly Invitae), Labcorp
Classification: Likely benign for Borjeson-Forssman-Lehmann syndrome. Last evaluated: 2022-05-27. Review status: criteria provided, single submitter. Criteria: Invitae Variant Classification Sherloc (09022015). Collection method: clinical testing. Allele origin: germline.